The following is an entry in ClinVar:

NM_022787.4(NMNAT1):c.38C>G (p.Ala13Gly)

Gene: NMNAT1 (nicotinamide nucleotide adenylyltransferase 1; plus strand). Cytogenetic location: 1p36.22.
Variant type: single nucleotide variant.
Coding change: c.38C>G on transcript NM_022787.4 (MANE Select); coding-DNA position 38, C replaced by G.
Protein change: p.Ala13Gly; replaces alanine 13 with glycine.
Molecular consequence: missense variant.
Genome position (GRCh38, 1-based): chr1:9,972,111, C>G. VCF-style: chr1-9972111-C-G. GRCh37 (hg19) VCF-style: chr1-10032169-C-G.
Other names: c.38C>G, p.Ala13Gly (NM_001297778.1, NM_001297779.2); short protein forms A13G.
Identifiers: ClinVar variation 2145245 (VCV002145245.4), dbSNP rs1641702737, ClinGen allele CA338683363.
Genomic context (GRCh38, chr1:9,972,111, plus strand): 5'-ATCAACAACTTCAAGTTCTTACCATGGAAAATTCCGAGAAGACTGAAGTGGTTCTCCTTG[C>G]TTGTGGTTCATTCAATCCCATCACCAACATGCACCTCAGGTTGTTTGAGCTGGCCAAGGA-3'
Protein context (NP_073624.2, residues 3-23): NSEKTEVVLL[Ala13Gly]CGSFNPITNM

ClinVar aggregate classification (germline): Uncertain significance. Review status: criteria provided, multiple submitters, no conflicts (2 of 4 stars). 2 submissions from 2 submitters: Uncertain significance (2). Last evaluated 2025-01-15.

Conditions:
Leber congenital amaurosis 9 (LCA9). Also called: LCA 9; Amaurosis congenita of Leber, type 9; LCA9 Leber Congenital Amaurosis. Identifiers: Orphanet 65, MedGen C1837873, MONDO:0012056, OMIM 608553.

gnomAD v4.1: 2 of 1,612,510 alleles (0.00012%); highest among the groups gnomAD compares: East Asian, 0.0022%; no homozygotes.

Submissions (2):

Labcorp Genetics (formerly Invitae), Labcorp
Classification: Uncertain significance for Leber congenital amaurosis 9. Last evaluated: 2025-01-15. Review status: criteria provided, single submitter. Criteria: Invitae Variant Classification Sherloc (09022015). Collection method: clinical testing. Allele origin: germline.
Comment: This sequence change replaces alanine, which is neutral and non-polar, with glycine, which is neutral and non-polar, at codon 13 of the NMNAT1 protein (p.Ala13Gly). This variant is not present in population databases (gnomAD no frequency). This variant has not been reported in the literature in individuals affected with NMNAT1-related conditions. ClinVar contains an entry for this variant (Variation ID: 2145245). Invitae Evidence Modeling of protein sequence and biophysical properties (such as structural, functional, and spatial information, amino acid conservation, physicochemical variation, residue mobility, and thermodynamic stability) indicates that this missense variant is not expected to disrupt NMNAT1 protein function with a negative predictive value of 80%. This variant disrupts the p.Ala13 amino acid residue in NMNAT1. Other variant(s) that disrupt this residue have been determined to be pathogenic (PMID: 22842227, 22842229, 26018082, 32865313). This suggests that this residue is clinically significant, and that variants that disrupt this residue are likely to be disease-causing. In summary, the available evidence is currently insufficient to determine the role of this variant in disease. Therefore, it has been classified as a Variant of Uncertain Significance.

Blueprint Genetics
Classification: Uncertain significance. Last evaluated: 2023-05-10. Review status: criteria provided, single submitter. Criteria: ACMG Guidelines, 2015. Collection method: clinical testing. Allele origin: germline.

Literature cited by the submitters: PubMed 22842227 (cited by Labcorp Genetics (formerly Invitae), Labcorp); PubMed 22842229 (cited by Labcorp Genetics (formerly Invitae), Labcorp); PubMed 26018082 (cited by Labcorp Genetics (formerly Invitae), Labcorp); PubMed 32865313 (cited by Labcorp Genetics (formerly Invitae), Labcorp).